The following is an entry in ClinVar:

NM_004260.4(RECQL4):c.1291G>A (p.Glu431Lys)

Gene: RECQL4 (RecQ like helicase 4; minus strand). Cytogenetic location: 8q24.3.
Variant type: single nucleotide variant.
Coding change: c.1291G>A on transcript NM_004260.4 (MANE Select); coding-DNA position 1291, G replaced by A.
Protein change: p.Glu431Lys; replaces glutamic acid 431 with lysine.
Molecular consequence: missense variant.
Genome position (GRCh38, 1-based): chr8:144,515,425, C>T on the plus strand (G>A on the coding strand, the complement: RECQL4 is on the minus strand). VCF-style: chr8-144515425-C-T. GRCh37 (hg19) VCF-style: chr8-145740809-C-T.
Other names: short protein forms E431K.
Identifiers: ClinVar variation 943576 (VCV000943576.9), dbSNP rs1828015944, ClinGen allele CA372685873.

ClinVar aggregate classification (germline): Uncertain significance. Review status: criteria provided, multiple submitters, no conflicts (2 of 4 stars). 3 submissions from 3 submitters: Uncertain significance (3). Last evaluated 2025-01-06.

Conditions:
Baller-Gerold syndrome (BGS). Also called: CRANIOSYNOSTOSIS WITH RADIAL DEFECTS. Identifiers: Orphanet 1225, MedGen C0265308, MONDO:0009039, OMIM 218600.
Rapadilino syndrome. Identifiers: Orphanet 3021, MedGen C1849453, MONDO:0009955, OMIM 266280.
Rothmund-Thomson syndrome type 2 (RTS2). Identifiers: Orphanet 221016, MedGen C5203410, MONDO:0016369, OMIM 268400.
Inborn genetic diseases. Identifiers: MedGen C0950123, MeSH D030342.

Allele frequency attached by ClinVar (database versions not stated): gnomAD exomes below 0.00001.
gnomAD v4.1: 2 of 1,612,816 alleles (0.00012%); highest among the groups gnomAD compares: Non-Finnish European, 0.00017%; no homozygotes.

Submissions (3):

Ambry Genetics
Classification: Uncertain significance for Inborn genetic diseases. Last evaluated: 2025-01-06. Review status: criteria provided, single submitter. Criteria: Ambry Variant Classification Scheme 2023. Collection method: clinical testing. Allele origin: germline.
Comment: The p.E431K variant (also known as c.1291G>A), located in coding exon 7 of the RECQL4 gene, results from a G to A substitution at nucleotide position 1291. The glutamic acid at codon 431 is replaced by lysine, an amino acid with similar properties. This amino acid position is conserved. In addition, this alteration is predicted to be tolerated by in silico analysis. Based on the available evidence, the clinical significance of this variant remains unclear.

Labcorp Genetics (formerly Invitae), Labcorp
Classification: Uncertain significance for Baller-Gerold syndrome. Last evaluated: 2024-06-03. Review status: criteria provided, single submitter. Criteria: Invitae Variant Classification Sherloc (09022015). Collection method: clinical testing. Allele origin: germline.
Comment: This sequence change replaces glutamic acid, which is acidic and polar, with lysine, which is basic and polar, at codon 431 of the RECQL4 protein (p.Glu431Lys). This variant is not present in population databases (gnomAD no frequency). This variant has not been reported in the literature in individuals affected with RECQL4-related conditions. ClinVar contains an entry for this variant (Variation ID: 943576). Algorithms developed to predict the effect of missense changes on protein structure and function output the following: SIFT: "Not Available"; PolyPhen-2: "Not Available"; Align-GVGD: "Not Available". The lysine amino acid residue is found in multiple mammalian species, which suggests that this missense change does not adversely affect protein function. In summary, the available evidence is currently insufficient to determine the role of this variant in disease. Therefore, it has been classified as a Variant of Uncertain Significance.

Fulgent Genetics
Classification: Uncertain significance for Baller-Gerold syndrome; Rapadilino syndrome; Rothmund-Thomson syndrome type 2. Last evaluated: 2021-09-09. Review status: criteria provided, single submitter. Criteria: ACMG Guidelines, 2015. Collection method: clinical testing. Allele origin: unknown.